The following is an entry in ClinVar:

ClinVar aggregate classification (germline): Uncertain significance (1 of 4 stars; one submission).

gnomAD v4.1: 1 of 1,611,074 alleles (0.000062%); highest among the groups gnomAD compares: Non-Finnish European, 0.000085%; no homozygotes.

Submission:

Labcorp Genetics (formerly Invitae), Labcorp
Classification: Uncertain significance. Last evaluated: 2022-12-23. Review status: criteria provided, single submitter. Criteria: Invitae Variant Classification Sherloc (09022015). Collection method: clinical testing. Allele origin: germline.
Comment: Algorithms developed to predict the effect of sequence changes on RNA splicing suggest that this variant may disrupt the consensus splice site. In summary, the available evidence is currently insufficient to determine the role of this variant in disease. Therefore, it has been classified as a Variant of Uncertain Significance. Algorithms developed to predict the effect of missense changes on protein structure and function (SIFT, PolyPhen-2, Align-GVGD) all suggest that this variant is likely to be tolerated. This variant has not been reported in the literature in individuals affected with ATR-related conditions. This variant is not present in population databases (gnomAD no frequency). This sequence change replaces aspartic acid, which is acidic and polar, with glycine, which is neutral and non-polar, at codon 798 of the ATR protein (p.Asp798Gly).

NM_001184.4(ATR):c.2393A>G (p.Asp798Gly)

Gene: ATR (ATR checkpoint kinase; minus strand). Cytogenetic location: 3q23.
Variant type: single nucleotide variant.
Coding change: c.2393A>G on transcript NM_001184.4 (MANE Select); coding-DNA position 2393, A replaced by G.
Protein change: p.Asp798Gly; replaces aspartic acid 798 with glycine.
Molecular consequence: missense variant.
Genome position (GRCh38, 1-based): chr3:142,553,964, T>C on the plus strand (A>G on the coding strand, the complement: ATR is on the minus strand). VCF-style: chr3-142553964-T-C. GRCh37 (hg19) VCF-style: chr3-142272806-T-C.
Other names: c.2201A>G, p.Asp734Gly (NM_001354579.2); short protein forms D798G, D734G.
Identifiers: ClinVar variation 2764321 (VCV002764321.3), dbSNP rs759654086, ClinGen allele CA354817068.